The following is an entry in ClinVar:

NM_001130009.3(GEN1):c.2578G>C (p.Ala860Pro)

Gene: GEN1 (GEN1 Holliday junction 5' flap endonuclease; plus strand). Cytogenetic location: 2p24.2.
Variant type: single nucleotide variant.
Coding change: c.2578G>C on transcript NM_001130009.3 (MANE Select); coding-DNA position 2578, G replaced by C.
Protein change: p.Ala860Pro; replaces alanine 860 with proline.
Molecular consequence: missense variant.
Genome position (GRCh38, 1-based): chr2:17,781,790, G>C. VCF-style: chr2-17781790-G-C. GRCh37 (hg19) VCF-style: chr2-17963057-G-C.
Other names: c.2578G>C, p.Ala860Pro (NM_182625.5); short protein forms A860P.
Identifiers: ClinVar variation 4029307 (VCV004029307.1).

ClinVar aggregate classification (germline): Uncertain significance (1 of 4 stars; one submission).

gnomAD v4.1: 1 of 1,612,502 alleles (0.000062%); highest among the groups gnomAD compares: Admixed American, 0.0017%; no homozygotes.

Submission:

Ambry Genetics
Classification: Uncertain significance. Last evaluated: 2025-05-18. Review status: criteria provided, single submitter. Criteria: Ambry Variant Classification Scheme 2023. Collection method: clinical testing. Allele origin: germline.
Comment: The p.A860P variant (also known as c.2578G>C), located in coding exon 13 of the GEN1 gene, results from a G to C substitution at nucleotide position 2578. The alanine at codon 860 is replaced by proline, an amino acid with highly similar properties. This amino acid position is conserved. In addition, this alteration is predicted to be tolerated by in silico analysis. Based on the available evidence, the clinical significance of this variant remains unclear.